The following is an entry in ClinVar:

NM_033198.4(PIGS):c.1063C>T (p.Arg355Cys)

Gene: PIGS (phosphatidylinositol glycan anchor biosynthesis class S; minus strand). Cytogenetic location: 17q11.2.
Variant type: single nucleotide variant.
Coding change: c.1063C>T on transcript NM_033198.4 (MANE Select); coding-DNA position 1063, C replaced by T.
Protein change: p.Arg355Cys; replaces arginine 355 with cysteine.
Molecular consequence: missense variant.
Genome position (GRCh38, 1-based): chr17:28,556,844, G>A on the plus strand (C>T on the coding strand, the complement: PIGS is on the minus strand). VCF-style: chr17-28556844-G-A. GRCh37 (hg19) VCF-style: chr17-26883862-G-A.
Other names: p.Arg355Cys; short protein forms R355C.
Identifiers: ClinVar variation 2218291 (VCV002218291.3), dbSNP rs572109106, ClinGen allele CA289111155.

ClinVar aggregate classification (germline): Uncertain significance. Review status: criteria provided, multiple submitters, no conflicts (2 of 4 stars). 2 submissions from 2 submitters: Uncertain significance (2). Last evaluated 2022-10-26.

Conditions:
Inborn genetic diseases. Identifiers: MedGen C0950123, MeSH D030342.

Allele frequency attached by ClinVar (database versions not stated): gnomAD exomes below 0.00001; gnomAD 0.00001; 1000 Genomes Project 30x 0.00016; 1000 Genomes Project 0.00020.
gnomAD v4.1: 4 of 1,614,028 alleles (0.00025%); highest among the groups gnomAD compares: East Asian, 0.0022%; no homozygotes.

Submissions (2):

Ambry Genetics
Classification: Uncertain significance for Inborn genetic diseases. Last evaluated: 2022-10-26. Review status: criteria provided, single submitter. Criteria: Ambry Variant Classification Scheme 2023. Collection method: clinical testing. Allele origin: germline.

Mayo Clinic Laboratories, Mayo Clinic
Classification: Uncertain significance. Last evaluated: 2022-07-29. Review status: criteria provided, single submitter. Criteria: ACMG Guidelines, 2015. Collection method: clinical testing. Allele origin: germline. Observed: 1 variant allele.
Comment: PP3, PM2